The following is an entry in ClinVar:

ClinVar aggregate classification (germline): Uncertain significance. Review status: criteria provided, multiple submitters, no conflicts (2 of 4 stars). 2 submissions from 2 submitters: Uncertain significance (2). Last evaluated 2025-08-05.

Conditions:
Inborn genetic diseases. Identifiers: MedGen C0950123, MeSH D030342.

Allele frequency attached by ClinVar (database versions not stated): gnomAD 0.00001; TOPMed 0.00001; gnomAD exomes 0.00002 and 0.00005; ExAC 0.00006.
gnomAD v4.1: 32 of 1,613,662 alleles (0.002%); highest among the groups gnomAD compares: Admixed American, 0.013%; no homozygotes.

Submissions (2):

Ambry Genetics
Classification: Uncertain significance for Inborn genetic diseases. Last evaluated: 2025-08-05. Review status: criteria provided, single submitter. Criteria: Ambry Variant Classification Scheme 2023. Collection method: clinical testing. Allele origin: germline.

Labcorp Genetics (formerly Invitae), Labcorp
Classification: Uncertain significance. Last evaluated: 2021-08-27. Review status: criteria provided, single submitter. Criteria: Invitae Variant Classification Sherloc (09022015). Collection method: clinical testing. Allele origin: germline.
Comment: This sequence change replaces glycine with serine at codon 359 of the ADAMTS10 protein (p.Gly359Ser). The glycine residue is highly conserved and there is a small physicochemical difference between glycine and serine. This variant is present in population databases (rs529730611, ExAC 0.04%). This variant has not been reported in the literature in individuals affected with ADAMTS10-related conditions. Algorithms developed to predict the effect of missense changes on protein structure and function are either unavailable or do not agree on the potential impact of this missense change (SIFT: "Tolerated"; PolyPhen-2: "Probably Damaging"; Align-GVGD: "Class C0"). Algorithms developed to predict the effect of sequence changes on RNA splicing suggest that this variant may create or strengthen a splice site. In summary, the available evidence is currently insufficient to determine the role of this variant in disease. Therefore, it has been classified as a Variant of Uncertain Significance.

NM_030957.4(ADAMTS10):c.1075G>A (p.Gly359Ser)

Gene: ADAMTS10 (ADAM metallopeptidase with thrombospondin type 1 motif 10; minus strand). Cytogenetic location: 19p13.2.
Variant type: single nucleotide variant.
Coding change: c.1075G>A on transcript NM_030957.4 (MANE Select); coding-DNA position 1075, G replaced by A.
Protein change: p.Gly359Ser; replaces glycine 359 with serine.
Molecular consequence: missense variant.
Genome position (GRCh38, 1-based): chr19:8,596,551, C>T on the plus strand (G>A on the coding strand, the complement: ADAMTS10 is on the minus strand). VCF-style: chr19-8596551-C-T. GRCh37 (hg19) VCF-style: chr19-8661435-C-T.
Other names: c.1075G>A (NM_030957.2); short protein forms G359S.
Identifiers: ClinVar variation 1447045 (VCV001447045.7), dbSNP rs529730611, ClinGen allele CA9160648.